The following is an entry in ClinVar:

ClinVar aggregate classification (germline): Uncertain significance (1 of 4 stars; one submission).

Allele frequency attached by ClinVar (database versions not stated): gnomAD exomes below 0.00001; ExAC 0.00001.
gnomAD v4.1: 5 of 1,613,824 alleles (0.00031%); highest among the groups gnomAD compares: South Asian, 0.0011%; no homozygotes.

Submission:

Labcorp Genetics (formerly Invitae), Labcorp
Classification: Uncertain significance. Last evaluated: 2024-06-24. Review status: criteria provided, single submitter. Criteria: Invitae Variant Classification Sherloc (09022015). Collection method: clinical testing. Allele origin: germline.
Comment: This sequence change replaces glycine, which is neutral and non-polar, with arginine, which is basic and polar, at codon 1301 of the SLIT2 protein (p.Gly1301Arg). This variant is present in population databases (rs751793597, gnomAD 0.003%). This variant has not been reported in the literature in individuals affected with SLIT2-related conditions. ClinVar contains an entry for this variant (Variation ID: 1957799). An algorithm developed to predict the effect of missense changes on protein structure and function (PolyPhen-2) suggests that this variant is likely to be disruptive. In summary, the available evidence is currently insufficient to determine the role of this variant in disease. Therefore, it has been classified as a Variant of Uncertain Significance.

NM_004787.4(SLIT2):c.3901G>A (p.Gly1301Arg)

Gene: SLIT2 (slit guidance ligand 2; plus strand). Cytogenetic location: 4p15.31.
Variant type: single nucleotide variant.
Coding change: c.3901G>A on transcript NM_004787.4 (MANE Select); coding-DNA position 3901, G replaced by A.
Protein change: p.Gly1301Arg; replaces glycine 1301 with arginine.
Molecular consequence: missense variant.
Genome position (GRCh38, 1-based): chr4:20,616,963, G>A. VCF-style: chr4-20616963-G-A. GRCh37 (hg19) VCF-style: chr4-20618586-G-A.
Other names: c.3889G>A, p.Gly1297Arg (NM_001289135.3); c.3877G>A, p.Gly1293Arg (NM_001289136.3); short protein forms G1297R, G1293R, G1301R.
Identifiers: ClinVar variation 1957799 (VCV001957799.5), dbSNP rs751793597, ClinGen allele CA2872319.